The following is an entry in ClinVar:

NM_017514.5(PLXNA3):c.3263G>A (p.Arg1088Gln)

Gene: PLXNA3 (plexin A3; plus strand). Cytogenetic location: Xq28.
Variant type: single nucleotide variant.
Coding change: c.3263G>A on transcript NM_017514.5 (MANE Select); coding-DNA position 3263, G replaced by A.
Protein change: p.Arg1088Gln; replaces arginine 1088 with glutamine.
Molecular consequence: missense variant.
Genome position (GRCh38, 1-based): chrX:154,467,293, G>A. VCF-style: chrX-154467293-G-A. GRCh37 (hg19) VCF-style: chrX-153695636-G-A.
Other names: short protein forms R1088Q.
Identifiers: ClinVar variation 2229738 (VCV002229738.3), dbSNP rs201224695, ClinGen allele CA10564597.

ClinVar aggregate classification (germline): Likely benign. Review status: criteria provided, multiple submitters, no conflicts (2 of 4 stars). 2 submissions from 2 submitters: Likely benign (2). Last evaluated 2025-03-06.

Conditions:
PLXNA3-related disorder. Also called: PLXNA3-related condition.

Allele frequency attached by ClinVar (database versions not stated): ESP Exome Variant Server 0.00019; gnomAD 0.00020; TOPMed 0.00020; 1000 Genomes Project 30x 0.00021; 1000 Genomes Project 0.00026.
gnomAD v4.1: 249 of 1,207,618 alleles (0.021%); highest among the groups gnomAD compares: South Asian, 0.077%; 1 homozygote.

Submissions (2):

PreventionGenetics, part of Exact Sciences
Classification: Likely benign for PLXNA3-related condition. Last evaluated: 2025-03-06. Review status: criteria provided, single submitter. Criteria: ACMG Guidelines, 2015. Collection method: clinical testing. Allele origin: germline.
Comment: This variant is classified as likely benign based on ACMG/AMP sequence variant interpretation guidelines (Richards et al. 2015 PMID: 25741868, with internal and published modifications).

Ambry Genetics
Classification: Likely benign. Last evaluated: 2021-11-09. Review status: criteria provided, single submitter. Criteria: Ambry Variant Classification Scheme 2023. Collection method: clinical testing. Allele origin: germline.